The following is an entry in ClinVar:

ClinVar aggregate classification (germline): Likely pathogenic (1 of 4 stars; one submission).

Conditions:
CHD7-related disorder. Also called: CHD7-related condition.

Submission:

PreventionGenetics, part of Exact Sciences
Classification: Likely pathogenic for CHD7-related condition. Last evaluated: 2023-08-21. Review status: criteria provided, single submitter. Criteria: ACMG Guidelines, 2015. Collection method: clinical testing. Allele origin: germline.
Comment: The CHD7 c.3482_3483delCA variant is predicted to result in a frameshift and premature protein termination (p.Thr1161Ilefs*7). To our knowledge, this variant has not been reported in the literature or in a large population database, indicating this variant is rare. Frameshift variants in CHD7 are expected to be pathogenic. This variant is interpreted as likely pathogenic.

NM_017780.4(CHD7):c.3482_3483del (p.Thr1161fs)

Gene: CHD7 (chromodomain helicase DNA binding protein 7; plus strand). Cytogenetic location: 8q12.2.
Variant type: Microsatellite.
Coding change: c.3482_3483del on transcript NM_017780.4 (MANE Select); coding-DNA positions 3482 to 3483, 2 bases deleted (CA; older notation c.3482_3483delCA).
Protein change: p.Thr1161fs; shifts the reading frame from threonine 1161.
Molecular consequence: frameshift variant. On other transcripts: intron variant (1).
Genome position (GRCh38, 1-based): chr8:60,828,766-60,828,767, CA deleted; deleting any 2 consecutive bases within chr8:60,828,764-60,828,767 gives the same sequence; the c. name uses the placement nearest the transcript's 3' end. VCF-style (leftmost placement, unchanged base first): chr8-60828763-CCA-C. GRCh37 (hg19) VCF-style: chr8-61741322-CCA-C.
Other names: c.1717-33463_1717-33462del (NM_001316690.1); short protein forms T1161fs.
Identifiers: ClinVar variation 2630913 (VCV002630913.1), dbSNP rs2487844132, ClinGen allele CA2695201472.